The following is an entry in ClinVar:

NM_003238.6(TGFB2):c.*1389C>T

Genes: TGFB2 (transforming growth factor beta 2; plus strand), TGFB2-OT1 (TGFB2 overlapping transcript 1; plus strand). Cytogenetic location: 1q41.
Variant type: single nucleotide variant.
Coding change: c.*1389C>T on transcript NM_003238.6 (MANE Select); 1389 bases downstream of the stop codon, C replaced by T.
Molecular consequence: 3 prime UTR variant. On other transcripts: non-coding transcript variant (3).
Genome position (GRCh38, 1-based): chr1:218,442,751, C>T. VCF-style: chr1-218442751-C-T. GRCh37 (hg19) VCF-style: chr1-218616093-C-T.
Other names: c.*1389C>T (NM_001135599.4).
Identifiers: ClinVar variation 876621 (VCV000876621.4), dbSNP rs528922293, ClinGen allele CA37626798.

ClinVar aggregate classification (germline): Benign (1 of 4 stars; one submission).

Conditions:
Loeys-Dietz syndrome 4 (LDS4). Also called: ANEURYSM, AORTIC AND CEREBRAL, WITH ARTERIAL TORTUOSITY AND SKELETAL MANIFESTATIONS; TGFB2-Related Loeys-Dietz Syndrome. Identifiers: MedGen C3553762, MONDO:0013897, OMIM 614816.

Allele frequency attached by ClinVar (database versions not stated): gnomAD 0.00004 and 0.00044; TOPMed 0.00011; 1000 Genomes Project 0.00200; 1000 Genomes Project 30x 0.00203.

Submission:

Illumina Laboratory Services, Illumina
Classification: Benign for Loeys-Dietz syndrome 4. Last evaluated: 2018-01-13. Review status: criteria provided, single submitter. Criteria: ICSL Variant Classification Criteria 13 December 2019. Collection method: clinical testing. Allele origin: germline.
Comment: This variant was observed in the ICSL laboratory as part of a predisposition screen in an ostensibly healthy population. It had not been previously curated by ICSL or reported in the Human Gene Mutation Database (HGMD: prior to June 1st, 2018), and was therefore a candidate for classification through an automated scoring system. Utilizing variant allele frequency, disease prevalence and penetrance estimates, and inheritance mode, an automated score was calculated to assess if this variant is too frequent to cause the disease. Based on the score and internal cut-off values, a variant classified as benign is not then subjected to further curation. The score for this variant resulted in a classification of benign for this disease.